The following is an entry in ClinVar:

ClinVar aggregate classification (germline): Pathogenic (1 of 4 stars; one submission).

Conditions:
Developmental and epileptic encephalopathy, 2 (DEE2). Also called: INFANTILE SPASM SYNDROME, X-LINKED 2; CDKL5 deficiency disorder. Identifiers: Orphanet 1934, Orphanet 3451, Orphanet 505652, MedGen C4750718, MONDO:0010396, OMIM 300672.
Angelman syndrome-like. Identifiers: MedGen CN128785.

Submission:

Labcorp Genetics (formerly Invitae), Labcorp
Classification: Pathogenic for Developmental and epileptic encephalopathy, 2; Angelman syndrome-like. Last evaluated: 2023-03-27. Review status: criteria provided, single submitter. Criteria: Invitae Variant Classification Sherloc (09022015). Collection method: clinical testing. Allele origin: germline.
Comment: This variant is not present in population databases (gnomAD no frequency). For these reasons, this variant has been classified as Pathogenic. Algorithms developed to predict the effect of sequence changes on RNA splicing suggest that this variant may create or strengthen a splice site. This variant has not been reported in the literature in individuals affected with CDKL5-related conditions. This sequence change creates a premature translational stop signal (p.Asp800Ilefs*3) in the CDKL5 gene. It is expected to result in an absent or disrupted protein product. Loss-of-function variants in CDKL5 are known to be pathogenic (PMID: 22872100).

Literature cited by the submitters: PubMed 22872100.

NM_001323289.2(CDKL5):c.2398del (p.Asp800fs)

Gene: CDKL5 (cyclin dependent kinase like 5; plus strand). Cytogenetic location: Xp22.13.
Variant type: Deletion.
Coding change: c.2398del on transcript NM_001323289.2 (MANE Select); coding-DNA position 2398, one base deleted (G; older notation c.2398delG).
Protein change: p.Asp800fs; shifts the reading frame from aspartic acid 800.
Molecular consequence: frameshift variant.
Genome position (GRCh38, 1-based): chrX:18,625,149, G deleted. VCF-style (leftmost placement, unchanged base first): chrX-18625148-TG-T. GRCh37 (hg19) VCF-style: chrX-18643268-TG-T.
Other names: c.2398del, p.Asp800fs (NM_001037343.2, NM_003159.3); short protein forms D800fs.
Identifiers: ClinVar variation 2945903 (VCV002945903.3), dbSNP rs2518894988, ClinGen allele CA2740092043.
Genomic context (GRCh38, chrX:18,625,148, plus strand): 5'-TCAGTGTGCTTATTGAATGCTTGTCCATATTTTGCTCTAGGTACCCAATTCCGACAGCCC[TG>T]ATCTTCTGACGTTGCAGAAATCCATTCATTCTGCTAGCACTCCAAGCAGCAGACCAAAGG-3'